The following is an entry in ClinVar:

ClinVar aggregate classification (germline): Benign/Likely benign. Review status: criteria provided, multiple submitters, no conflicts (2 of 4 stars). 10 submissions from 10 submitters: Benign (9); Likely benign (1). Last evaluated 2026-02-04.

Conditions:
Hereditary hemorrhagic telangiectasia (HHT). Also called: Osler hemorrhagic telangiectasia syndrome; ORW DISEASE; Osler Weber Rendu syndrome; OSLER-RENDU-WEBER DISEASE. Identifiers: Orphanet 774, MedGen C0039445, MONDO:0019180. Disease mechanism: loss of function.
Cardiovascular phenotype. Identifiers: MedGen CN230736.
Telangiectasia, hereditary hemorrhagic, type 1 (HHT1). Also called: Osler Weber Rendu syndrome type 1; ENG-Related Hereditary Hemorrhagic Telangiectasia. Identifiers: Orphanet 774, MedGen C4551861, MONDO:0008535, OMIM 187300. Disease mechanism: loss of function.

Allele frequency attached by ClinVar (database versions not stated): gnomAD exomes 0.08648 and 0.08970; ExAC 0.09154; gnomAD 0.06792 and 0.07216; 1000 Genomes Project 30x 0.07698; TOPMed 0.06446; ESP Exome Variant Server 0.06835; 1000 Genomes Project 0.08067.
gnomAD v4.1: 137,091 of 1,613,948 alleles (8.5%); highest among the groups gnomAD compares: South Asian, 19%; 6,670 homozygotes.

Submissions (10):

Labcorp Genetics (formerly Invitae), Labcorp
Classification: Benign for Hereditary hemorrhagic telangiectasia. Last evaluated: 2026-02-04. Review status: criteria provided, single submitter. Criteria: Invitae Variant Classification Sherloc (09022015). Collection method: clinical testing. Allele origin: germline.

ARUP Laboratories, Molecular Genetics and Genomics, ARUP Laboratories
Classification: Benign for Telangiectasia, hereditary hemorrhagic, type 1. Last evaluated: 2025-07-30. Review status: criteria provided, single submitter. Criteria: ARUP Molecular Germline Variant Investigation Process 2024. Collection method: clinical testing. Allele origin: germline.

Blueprint Genetics
Classification: Benign. Last evaluated: 2024-11-27. Review status: criteria provided, single submitter. Criteria: ACMG Guidelines, 2015. Collection method: clinical testing. Allele origin: germline.

Women's Health and Genetics/Laboratory Corporation of America, LabCorp
Classification: Benign. Last evaluated: 2021-07-08. Review status: criteria provided, single submitter. Criteria: LabCorp Variant Classification Summary - May 2015. Collection method: clinical testing. Allele origin: germline.

Ambry Genetics
Classification: Benign for Cardiovascular phenotype. Last evaluated: 2015-08-05. Review status: criteria provided, single submitter. Criteria: Ambry Variant Classification Scheme 2023. Collection method: clinical testing. Allele origin: germline.

Mayo Clinic Laboratories, Mayo Clinic
Classification: Benign. Last evaluated: 2014-04-02. Review status: criteria provided, single submitter. Criteria: ACMG Guidelines, 2015. Collection method: clinical testing. Allele origin: germline. Observed: 181 variant alleles.

GeneDx
Classification: Benign. Last evaluated: 2013-10-22. Review status: criteria provided, single submitter. Criteria: GeneDx Variant Classification (06012015). Collection method: clinical testing. Allele origin: germline. Affected: yes.
Comment: This variant is considered likely benign or benign based on one or more of the following criteria: it is a conservative change, it occurs at a poorly conserved position in the protein, it is predicted to be benign by multiple in silico algorithms, and/or has population frequency not consistent with disease.

Laboratory for Molecular Medicine, Mass General Brigham Personalized Medicine
Classification: Benign. Last evaluated: 2013-02-21. Review status: criteria provided, single submitter. Criteria: LMM Criteria. Collection method: clinical testing. Allele origin: germline. Observed: 9 variant alleles.
Comment: Thr343Thr in exon 8 of ENG: This variant is not expected to have clinical signif icance because it does not alter an amino acid residue and is not located within the splice consensus sequence. It has been identified in 8.0% (691/8600) of Eur opean American chromosomes from a broad population by the NHLBI Exome Sequencing Project (dbSNP rs3739817).

Breakthrough Genomics
Classification: Likely benign. Review status: criteria provided, single submitter. Criteria: ACMG Guidelines, 2015. Collection method: not provided. Allele origin: germline. Inheritance: Autosomal dominant inheritance. Affected: yes.

PreventionGenetics, part of Exact Sciences
Classification: Benign. Review status: criteria provided, single submitter. Criteria: ACMG Guidelines, 2015. Collection method: clinical testing. Allele origin: germline.

NM_001114753.3(ENG):c.1029C>T (p.Thr343=)

Gene: ENG (endoglin; minus strand). Cytogenetic location: 9q34.11.
Variant type: single nucleotide variant.
Coding change: c.1029C>T on transcript NM_001114753.3 (MANE Select); coding-DNA position 1029, C replaced by T.
Protein change: p.Thr343=; no amino-acid change (threonine 343 retained).
Molecular consequence: synonymous variant.
Genome position (GRCh38, 1-based): chr9:127,824,409, G>A on the plus strand (C>T on the coding strand, the complement: ENG is on the minus strand). VCF-style: chr9-127824409-G-A. GRCh37 (hg19) VCF-style: chr9-130586688-G-A.
Other names: p.T343T:ACC>ACT; p.Thr343=; c.1029C>T, p.Thr343= (NM_000118.4, NM_001406715.1); c.483C>T, p.Thr161= (NM_001278138.2).
Identifiers: ClinVar variation 137209 (VCV000137209.36), dbSNP rs3739817, ClinGen allele CA295805.
Genomic context (GRCh38, chr9:127,824,409, plus strand): 5'-ACACTTTGTCTGGATCAAGGACATGAGCAGCTCCGGGCTACAAGTGTCCTTGGGAGGAGT[G>A]GTCTGGATCGGTGCGGGTGAGGTCTGCAGCCTACCACCTGTGGGGTAGCAGAGGCAGGCC-3'
Protein context (NP_001108225.1, residues 333-353): RLQTSPAPIQ[Thr343=]TPPKDTCSPE